The following is an entry in ClinVar:

ClinVar aggregate classification (germline): Uncertain significance (1 of 4 stars; one submission).

Conditions:
Malignant hyperthermia, susceptibility to, 1 (MHS1). Also called: Anesthesia related hyperthermia; Malignant hyperpyrexia; Fulminating hyperpyrexia; Pharmacogenic myopathy; RYR1-Related Malignant Hyperthermia Susceptibility; Malignant hyperthermia suceptibility 1. Identifiers: Orphanet 423, MedGen C2930980, MONDO:0007783, OMIM 145600.

Allele frequency attached by ClinVar (database versions not stated): TOPMed below 0.00001.

Submission:

All of Us Research Program, National Institutes of Health
Classification: Uncertain significance for Malignant hyperthermia, susceptibility to, 1. Last evaluated: 2023-05-31. Review status: criteria provided, single submitter. Criteria: ACMG Guidelines, 2015. Collection method: clinical testing. Allele origin: germline. Inheritance: Autosomal dominant inheritance. Observed: 1 variant allele, 1 heterozygote.
Comment: This study involves interpretation of variants in research participants for the purpose of population health screening. Participant phenotype was not available at the time of variant classification. Additional details can be found in publication PMID: 35346344, PMCID: PMC8962531

NM_000540.3(RYR1):c.8803T>C (p.Tyr2935His)

Gene: RYR1 (ryanodine receptor 1; plus strand). Cytogenetic location: 19q13.2.
Variant type: single nucleotide variant.
Coding change: c.8803T>C on transcript NM_000540.3 (MANE Select); coding-DNA position 8803, T replaced by C.
Protein change: p.Tyr2935His; replaces tyrosine 2935 with histidine.
Molecular consequence: missense variant.
Genome position (GRCh38, 1-based): chr19:38,506,939, T>C. VCF-style: chr19-38506939-T-C. GRCh37 (hg19) VCF-style: chr19-38997579-T-C.
Other names: c.8803T>C, p.Tyr2935His (NM_001042723.2); short protein forms Y2935H.
Identifiers: ClinVar variation 3071351 (VCV003071351.1), dbSNP rs1442053301, ClinGen allele CA405681444.